The following is an entry in ClinVar:

ClinVar aggregate classification (germline): Uncertain significance (1 of 4 stars; one submission).

Conditions:
Autosomal recessive limb-girdle muscular dystrophy type 2A (LGMDR1). Also called: LEYDEN-MOEBIUS MUSCULAR DYSTROPHY; Limb-girdle muscular dystrophy, type 2A; Calpainopathy; Muscular dystrophy, limb-girdle, type 2A, Amish; MUSCULAR DYSTROPHY, PELVOFEMORAL. Identifiers: Orphanet 267, MedGen C1869123, MONDO:0009675, OMIM 253600. Disease mechanism: loss of function.

Submission:

Labcorp Genetics (formerly Invitae), Labcorp
Classification: Uncertain significance for Autosomal recessive limb-girdle muscular dystrophy type 2A. Last evaluated: 2022-06-20. Review status: criteria provided, single submitter. Criteria: Invitae Variant Classification Sherloc (09022015). Collection method: clinical testing. Allele origin: germline.
Comment: This variant has not been reported in the literature in individuals affected with CAPN3-related conditions. This sequence change replaces histidine, which is basic and polar, with aspartic acid, which is acidic and polar, at codon 690 of the CAPN3 protein (p.His690Asp). This variant is not present in population databases (gnomAD no frequency). Algorithms developed to predict the effect of missense changes on protein structure and function output the following: SIFT: "Tolerated"; PolyPhen-2: "Benign"; Align-GVGD: "Class C0". The aspartic acid amino acid residue is found in multiple mammalian species, which suggests that this missense change does not adversely affect protein function. In summary, the available evidence is currently insufficient to determine the role of this variant in disease. Therefore, it has been classified as a Variant of Uncertain Significance.

NM_000070.3(CAPN3):c.2068C>G (p.His690Asp)

Gene: CAPN3 (calpain 3; plus strand). Cytogenetic location: 15q15.1.
Variant type: single nucleotide variant.
Coding change: c.2068C>G on transcript NM_000070.3 (MANE Select); coding-DNA position 2068, C replaced by G.
Protein change: p.His690Asp; replaces histidine 690 with aspartic acid.
Molecular consequence: missense variant.
Genome position (GRCh38, 1-based): chr15:42,409,948, C>G. VCF-style: chr15-42409948-C-G. GRCh37 (hg19) VCF-style: chr15-42702146-C-G.
Other names: c.2050C>G, p.His684Asp (NM_024344.2); c.1792C>G, p.His598Asp (NM_173087.2); c.532C>G, p.His178Asp (NM_173088.2); c.73C>G, p.His25Asp (NM_173089.2, NM_173090.2); short protein forms H25D, H684D, H690D, H178D, H598D.
Identifiers: ClinVar variation 1420705 (VCV001420705.11), dbSNP rs2141222124, ClinGen allele CA392001491.